The following is an entry in ClinVar:

NM_006060.6(IKZF1):c.500A>G (p.His167Arg)

Gene: IKZF1 (IKAROS family zinc finger 1; plus strand). Cytogenetic location: 7p12.2.
Variant type: single nucleotide variant.
Coding change: c.500A>G on transcript NM_006060.6 (MANE Select); coding-DNA position 500, A replaced by G.
Protein change: p.His167Arg; replaces histidine 167 with arginine.
Molecular consequence: missense variant. On other transcripts: intron variant (6).
Genome position (GRCh38, 1-based): chr7:50,382,618, A>G. VCF-style: chr7-50382618-A-G. GRCh37 (hg19) VCF-style: chr7-50450316-A-G.
Other names: c.500A>G, p.His167Arg (NM_001220765.3, NM_001220768.2, NM_001291837.2); c.239A>G, p.His80Arg (NM_001220767.2, NM_001220770.2, NM_001291838.2 and 1 more transcripts); c.421+5825A>G (NM_001220771.2); c.161-4727A>G (NM_001291841.1, NM_001291842.1); c.161-9111A>G (NM_001291843.1, NM_001291844.1); c.161-17300A>G (NM_001291840.1); short protein forms H167R, H80R.
Identifiers: ClinVar variation 224780 (VCV000224780.5), dbSNP rs869312884, ClinGen allele CA354075.

ClinVar aggregate classification (germline): Conflicting classifications of pathogenicity. Review status: criteria provided, conflicting classifications (1 of 4 stars). 3 submissions from 3 submitters: Pathogenic (1); Uncertain significance (1). 1 of the submissions does not count toward it. Last evaluated 2024-07-19.

Conditions:
Pancytopenia due to IKZF1 mutations. Also called: Immunodeficiency, common variable, 13. Identifiers: Orphanet 317473, MedGen C4225173, MONDO:0014810, OMIM 616873.
Inherited Immunodeficiency Diseases. Identifiers: MedGen C5197805, MeSH D000081207.

Submissions (3):

Labcorp Genetics (formerly Invitae), Labcorp
Classification: Uncertain significance. Last evaluated: 2024-07-19. Review status: criteria provided, single submitter. Criteria: Invitae Variant Classification Sherloc (09022015). Collection method: clinical testing. Allele origin: germline.
Comment: This sequence change replaces histidine, which is basic and polar, with arginine, which is basic and polar, at codon 167 of the IKZF1 protein (p.His167Arg). This variant is not present in population databases (gnomAD no frequency). This missense change has been observed in individual(s) with IKZF1-related conditions (PMID: 26981933, 31089937, 32499645, 32888943, 36964972). It has also been observed to segregate with disease in related individuals. ClinVar contains an entry for this variant (Variation ID: 224780). Algorithms developed to predict the effect of variants on gene product structure and function are not available or were not evaluated for this variant. Experimental studies have shown that this missense change affects IKZF1 function (PMID: 31069201). In summary, the available evidence is currently insufficient to determine the role of this variant in disease. Therefore, it has been classified as a Variant of Uncertain Significance.

NIHR Bioresource Rare Diseases, University of Cambridge
Classification: Pathogenic for Inherited Immunodeficiency Diseases. Last evaluated: 2019-01-01. Review status: criteria provided, single submitter. Criteria: ACMG Guidelines, 2015. Collection method: research. Allele origin: germline. Affected: yes. Observed: 1 heterozygote.

OMIM
Classification: Pathogenic for IMMUNODEFICIENCY, COMMON VARIABLE, 13. Last evaluated: 2016-08-25. Review status: no assertion criteria provided. Collection method: literature only. Allele origin: germline. Not counted in ClinVar's aggregate classification.

Literature cited by the submitters: PubMed 26981933 (cited by Labcorp Genetics (formerly Invitae), Labcorp and OMIM); PubMed 31089937 (cited by Labcorp Genetics (formerly Invitae), Labcorp); PubMed 32499645 (cited by Labcorp Genetics (formerly Invitae), Labcorp); PubMed 32888943 (cited by Labcorp Genetics (formerly Invitae), Labcorp); PubMed 36964972 (cited by Labcorp Genetics (formerly Invitae), Labcorp); PubMed 31069201 (cited by Labcorp Genetics (formerly Invitae), Labcorp).